The following is an entry in ClinVar:

NM_001394062.1(MACF1):c.7057G>T (p.Gly2353Cys)

Gene: MACF1 (microtubule actin crosslinking factor 1; plus strand). Cytogenetic location: 1p34.3.
Variant type: single nucleotide variant.
Coding change: c.7057G>T on transcript NM_001394062.1 (MANE Select); coding-DNA position 7057, G replaced by T.
Protein change: p.Gly2353Cys; replaces glycine 2353 with cysteine.
Molecular consequence: missense variant. On other transcripts: intron variant (1).
Genome position (GRCh38, 1-based): chr1:39,333,645, G>T. VCF-style: chr1-39333645-G-T. GRCh37 (hg19) VCF-style: chr1-39799317-G-T.
Other names: c.4629+6292G>T (NM_012090.5); short protein forms G2353C.
Identifiers: ClinVar variation 5020308 (VCV005020308.1).

ClinVar aggregate classification (germline): Uncertain significance (1 of 4 stars; one submission).

gnomAD v4.1: 1 of 1,614,144 alleles (0.000062%); highest among the groups gnomAD compares: Non-Finnish European, 0.000085%; no homozygotes.

Submission:

Dasa
Classification: Uncertain significance. Last evaluated: 2026-06-25. Review status: criteria provided, single submitter. Criteria: DASA Assertion Criteria. Collection method: clinical testing. Allele origin: germline.
Comment: NM_001394062.1(MACF1):c.7057G>T (p.Gly2353Cys) is a missense variant that results in the substitution of glycine with cysteine. This variant is rare in population databases. Computational prediction algorithms are consistent with a deleterious effect. The currently available literature and clinical evidence are not sufficient to establish a definitive association between this variant and the reported condition. Therefore, this variant is classified as a variant of uncertain significance.